The following is an entry in ClinVar:

ClinVar aggregate classification (germline): Uncertain significance (1 of 4 stars; one submission).

gnomAD v4.1: 1 of 1,613,784 alleles (0.000062%); highest among the groups gnomAD compares: Non-Finnish European, 0.000085%; no homozygotes.

Submission:

CeGaT Center for Human Genetics Tuebingen
Classification: Uncertain significance. Last evaluated: 2026-02-01. Review status: criteria provided, single submitter. Criteria: CeGaT Center For Human Genetics Tuebingen Variant Classification Criteria Version 2. Collection method: clinical testing. Allele origin: germline. Affected: yes. Observed: 1 variant allele.
Comment: HSPG2: PM2

NM_005529.7(HSPG2):c.8554G>C (p.Gly2852Arg)

Gene: HSPG2 (heparan sulfate proteoglycan 2; minus strand). Cytogenetic location: 1p36.12.
Variant type: single nucleotide variant.
Coding change: c.8554G>C on transcript NM_005529.7 (MANE Select); coding-DNA position 8554, G replaced by C.
Protein change: p.Gly2852Arg; replaces glycine 2852 with arginine.
Molecular consequence: missense variant.
Genome position (GRCh38, 1-based): chr1:21,844,210, C>G on the plus strand (G>C on the coding strand, the complement: HSPG2 is on the minus strand). VCF-style: chr1-21844210-C-G. GRCh37 (hg19) VCF-style: chr1-22170703-C-G.
Other names: c.8557G>C, p.Gly2853Arg (NM_001291860.2); short protein forms G2852R, G2853R.
Identifiers: ClinVar variation 4822241 (VCV004822241.4).